The following is an entry in ClinVar:

ClinVar aggregate classification (germline): Uncertain significance. Review status: criteria provided, multiple submitters, no conflicts (2 of 4 stars). 2 submissions from 2 submitters: Uncertain significance (2). Last evaluated 2025-02-13.

Conditions:
Hereditary cancer-predisposing syndrome. Also called: Neoplastic Syndromes, Hereditary; Tumor predisposition; Hereditary neoplastic syndrome; Hereditary Cancer Syndrome. Identifiers: Orphanet 140162, MedGen C0027672, MeSH D009386, MONDO:0015356.
EGFR-related lung cancer (EGFR). Identifiers: MedGen CN130014.

Allele frequency attached by ClinVar (database versions not stated): gnomAD exomes below 0.00001 and 0.00001; ExAC 0.00001; gnomAD 0.00001; TOPMed 0.00001.
gnomAD v4.1: 10 of 1,613,966 alleles (0.00062%); highest among the groups gnomAD compares: Non-Finnish European, 0.00085%; no homozygotes.

Submissions (2):

Ambry Genetics
Classification: Uncertain significance for Hereditary cancer-predisposing syndrome. Last evaluated: 2025-02-13. Review status: criteria provided, single submitter. Criteria: Ambry Variant Classification Scheme 2023. Collection method: clinical testing. Allele origin: germline.
Comment: The p.E963G variant (also known as c.2888A>G), located in coding exon 24 of the EGFR gene, results from an A to G substitution at nucleotide position 2888. The glutamic acid at codon 963 is replaced by glycine, an amino acid with similar properties. This amino acid position is conserved. In addition, this alteration is predicted to be deleterious by in silico analysis. Based on the available evidence, the clinical significance of this variant remains unclear.

Labcorp Genetics (formerly Invitae), Labcorp
Classification: Uncertain significance for EGFR-related lung cancer. Last evaluated: 2024-03-03. Review status: criteria provided, single submitter. Criteria: Invitae Variant Classification Sherloc (09022015). Collection method: clinical testing. Allele origin: germline.
Comment: This sequence change replaces glutamic acid, which is acidic and polar, with glycine, which is neutral and non-polar, at codon 963 of the EGFR protein (p.Glu963Gly). This variant is present in population databases (rs751632602, gnomAD 0.0009%). This variant has not been reported in the literature in individuals affected with EGFR-related conditions. ClinVar contains an entry for this variant (Variation ID: 1352520). Advanced modeling of protein sequence and biophysical properties (such as structural, functional, and spatial information, amino acid conservation, physicochemical variation, residue mobility, and thermodynamic stability) performed at Invitae indicates that this missense variant is expected to disrupt EGFR protein function with a positive predictive value of 80%. In summary, the available evidence is currently insufficient to determine the role of this variant in disease. Therefore, it has been classified as a Variant of Uncertain Significance.

NM_005228.5(EGFR):c.2888A>G (p.Glu963Gly)

Gene: EGFR (epidermal growth factor receptor; plus strand). Cytogenetic location: 7p11.2.
Variant type: single nucleotide variant.
Coding change: c.2888A>G on transcript NM_005228.5 (MANE Select); coding-DNA position 2888, A replaced by G.
Protein change: p.Glu963Gly; replaces glutamic acid 963 with glycine.
Molecular consequence: missense variant.
Genome position (GRCh38, 1-based): chr7:55,200,355, A>G. VCF-style: chr7-55200355-A-G. GRCh37 (hg19) VCF-style: chr7-55268048-A-G.
Other names: c.2888A>G (NM_005228.3); c.2753A>G, p.Glu918Gly (NM_001346897.2, NM_001346899.2); c.2888A>G, p.Glu963Gly (NM_001346898.2); c.2729A>G, p.Glu910Gly (NM_001346900.2); c.2087A>G, p.Glu696Gly (NM_001346941.2); short protein forms E696G, E918G, E910G, E963G.
Identifiers: ClinVar variation 1352520 (VCV001352520.9), dbSNP rs751632602, ClinGen allele CA4266202.